The following is an entry in ClinVar:

ClinVar aggregate classification (germline): Uncertain significance. Review status: criteria provided, multiple submitters, no conflicts (2 of 4 stars). 2 submissions from 2 submitters: Uncertain significance (2). Last evaluated 2026-06-09.

Conditions:
Hereditary cancer-predisposing syndrome. Also called: Tumor predisposition; Neoplastic Syndromes, Hereditary; Hereditary neoplastic syndrome; Hereditary Cancer Syndrome. Identifiers: Orphanet 140162, MedGen C0027672, MeSH D009386, MONDO:0015356.
Cardiovascular phenotype. Identifiers: MedGen CN230736.
Neurofibromatosis, type 1 (NF1). Also called: Peripheral type neurofibromatosis; Neurofibromatosis, type I; NEUROFIBROMATOSIS, TYPE I, SOMATIC; VON RECKLINGHAUSEN DISEASE. Identifiers: Orphanet 636, MedGen C0027831, MONDO:0018975, OMIM 162200. Disease mechanism: loss of function.

Submissions (2):

Ambry Genetics
Classification: Uncertain significance for Cardiovascular phenotype; Hereditary cancer-predisposing syndrome. Last evaluated: 2026-06-09. Review status: criteria provided, single submitter. Criteria: Ambry Variant Classification Scheme 2023. Collection method: clinical testing. Allele origin: germline.
Comment: The p.N2688S variant (also known as c.8063A>G), located in coding exon 55 of the NF1 gene, results from an A to G substitution at nucleotide position 8063. The asparagine at codon 2688 is replaced by serine, an amino acid with highly similar properties. This amino acid position is conserved. In addition, this alteration is predicted to be tolerated by in silico analysis. Based on the available evidence, the clinical significance of this variant remains unclear.

Labcorp Genetics (formerly Invitae), Labcorp
Classification: Uncertain significance for Neurofibromatosis, type 1. Last evaluated: 2021-12-30. Review status: criteria provided, single submitter. Criteria: Invitae Variant Classification Sherloc (09022015). Collection method: clinical testing. Allele origin: germline.
Comment: In summary, the available evidence is currently insufficient to determine the role of this variant in disease. Therefore, it has been classified as a Variant of Uncertain Significance. Algorithms developed to predict the effect of sequence changes on RNA splicing suggest that this variant may create or strengthen a splice site. Algorithms developed to predict the effect of missense changes on protein structure and function are either unavailable or do not agree on the potential impact of this missense change (SIFT: "Deleterious"; PolyPhen-2: "Probably Damaging"; Align-GVGD: "Class C0"). ClinVar contains an entry for this variant (Variation ID: 861752). This variant has not been reported in the literature in individuals affected with NF1-related conditions. This variant is not present in population databases (gnomAD no frequency). This sequence change replaces asparagine, which is neutral and polar, with serine, which is neutral and polar, at codon 2688 of the NF1 protein (p.Asn2688Ser).

NM_001042492.3(NF1):c.8126A>G (p.Asn2709Ser)

Gene: NF1 (neurofibromin 1; plus strand). Cytogenetic location: 17q11.2.
Variant type: single nucleotide variant.
Coding change: c.8126A>G on transcript NM_001042492.3 (MANE Select); coding-DNA position 8126, A replaced by G.
Protein change: p.Asn2709Ser; replaces asparagine 2709 with serine.
Molecular consequence: missense variant.
Genome position (GRCh38, 1-based): chr17:31,358,981, A>G. VCF-style: chr17-31358981-A-G. GRCh37 (hg19) VCF-style: chr17-29685999-A-G.
Other names: c.8063A>G, p.Asn2688Ser (NM_000267.4); short protein forms N2688S, N2709S.
Identifiers: ClinVar variation 861752 (VCV000861752.7), dbSNP rs2070339296, ClinGen allele CA399204134.